The following is an entry in ClinVar:

NM_032861.4(SERAC1):c.324A>T (p.Thr108=)

Gene: SERAC1 (serine active site containing 1; minus strand). Cytogenetic location: 6q25.3.
Variant type: single nucleotide variant.
Coding change: c.324A>T on transcript NM_032861.4 (MANE Select); coding-DNA position 324, A replaced by T.
Protein change: p.Thr108=; no amino-acid change (threonine 108 retained).
Molecular consequence: synonymous variant. On other transcripts: non-coding transcript variant (1).
Genome position (GRCh38, 1-based): chr6:158,148,896, T>A on the plus strand (A>T on the coding strand, the complement: SERAC1 is on the minus strand). VCF-style: chr6-158148896-T-A. GRCh37 (hg19) VCF-style: chr6-158569928-T-A.
Identifiers: ClinVar variation 3388930 (VCV003388930.16).

ClinVar aggregate classification (germline): Likely benign. Review status: criteria provided, multiple submitters, no conflicts (2 of 4 stars). 3 submissions from 3 submitters: Likely benign (3). Last evaluated 2025-05-08.

Conditions:
3-methylglutaconic aciduria with deafness, encephalopathy, and Leigh-like syndrome (MEGDEL). Also called: 3-METHYLGLUTACONIC ACIDURIA, TYPE VI; SERAC1 Deficiency; MEGDEL syndrome. Identifiers: Orphanet 352328, MedGen C4040739, MONDO:0013875, OMIM 614739.

gnomAD v4.1: 9 of 1,612,656 alleles (0.00056%); highest among the groups gnomAD compares: African/African-American, 0.0027%; no homozygotes.

Submissions (3):

Labcorp Genetics (formerly Invitae), Labcorp
Classification: Likely benign for 3-methylglutaconic aciduria with deafness, encephalopathy, and Leigh-like syndrome. Last evaluated: 2025-05-08. Review status: criteria provided, single submitter. Criteria: Invitae Variant Classification Sherloc (09022015). Collection method: clinical testing. Allele origin: germline.

CeGaT Center for Human Genetics Tuebingen
Classification: Likely benign. Last evaluated: 2024-10-01. Review status: criteria provided, single submitter. Criteria: CeGaT Center For Human Genetics Tuebingen Variant Classification Criteria Version 2. Collection method: clinical testing. Allele origin: germline. Affected: yes. Observed: 1 variant allele.
Comment: SERAC1: BP4, BP7

Blueprint Genetics
Classification: Likely benign. Last evaluated: 2022-07-17. Review status: criteria provided, single submitter. Criteria: ACMG Guidelines, 2015. Collection method: clinical testing. Allele origin: germline.